The following is an entry in ClinVar:

ClinVar aggregate classification (germline): Uncertain significance (1 of 4 stars; one submission).

Submission:

Ambry Genetics
Classification: Uncertain significance. Last evaluated: 2025-03-08. Review status: criteria provided, single submitter. Criteria: Ambry Variant Classification Scheme 2023. Collection method: clinical testing. Allele origin: germline.
Comment: The p.V208L variant (also known as c.622G>C), located in coding exon 1 of the MC1R gene, results from a G to C substitution at nucleotide position 622. The valine at codon 208 is replaced by leucine, an amino acid with highly similar properties. This amino acid position is conserved. In addition, this alteration is predicted to be tolerated by in silico analysis. Based on the available evidence, the clinical significance of this variant remains unclear.

NM_002386.4(MC1R):c.622G>C (p.Val208Leu)

Gene: MC1R (melanocortin 1 receptor; plus strand). Cytogenetic location: 16q24.3.
Variant type: single nucleotide variant.
Coding change: c.622G>C on transcript NM_002386.4 (MANE Select); coding-DNA position 622, G replaced by C.
Protein change: p.Val208Leu; replaces valine 208 with leucine.
Molecular consequence: missense variant.
Genome position (GRCh38, 1-based): chr16:89,919,880, G>C. VCF-style: chr16-89919880-G-C. GRCh37 (hg19) VCF-style: chr16-89986288-G-C.
Other names: short protein forms V208L.
Identifiers: ClinVar variation 3871142 (VCV003871142.1).